The following is an entry in ClinVar:

NM_001267550.2(TTN):c.88594+3A>T

Genes: TTN-AS1 (TTN antisense RNA 1; plus strand), TTN (titin; minus strand). Cytogenetic location: 2q31.2.
Variant type: single nucleotide variant.
Coding change: c.88594+3A>T on transcript NM_001267550.2 (MANE Select); 3 bases into the intron after coding-DNA position 88594, A replaced by T.
Molecular consequence: intron variant.
Genome position (GRCh38, 1-based): chr2:178,554,862, T>A on the plus strand (A>T on the coding strand, the complement: TTN is on the minus strand). VCF-style: chr2-178554862-T-A. GRCh37 (hg19) VCF-style: chr2-179419589-T-A.
Other names: c.61399+3A>T (NM_003319.4); c.61975+3A>T (NM_133437.4); c.61774+3A>T (NM_133432.3); c.80890+3A>T (NM_133378.4); c.83671+3A>T (NM_001256850.1).
Identifiers: ClinVar variation 4785587 (VCV004785587.1).

ClinVar aggregate classification (germline): Uncertain significance (1 of 4 stars; one submission).

Conditions:
Autosomal recessive limb-girdle muscular dystrophy type 2J (LGMDR10). Also called: Limb-girdle muscular dystrophy, type 2J; MUSCULAR DYSTROPHY, LIMB-GIRDLE, AUTOSOMAL RECESSIVE 10. Identifiers: Orphanet 140922, MedGen C1837342, MONDO:0012127, OMIM 608807.
Dilated cardiomyopathy 1G (CMD1G). Identifiers: Orphanet 154, MedGen C1858763, MONDO:0011400, OMIM 604145.

Submission:

Labcorp Genetics (formerly Invitae), Labcorp
Classification: Uncertain significance for Dilated cardiomyopathy 1G; Autosomal recessive limb-girdle muscular dystrophy type 2J. Last evaluated: 2025-07-28. Review status: criteria provided, single submitter. Criteria: Invitae Variant Classification Sherloc (09022015). Collection method: clinical testing. Allele origin: germline.
Comment: This sequence change falls in intron 331 of the TTN gene. It does not directly change the encoded amino acid sequence of the TTN protein. It affects a nucleotide within the consensus splice site. This variant is not present in population databases (gnomAD no frequency). This variant has not been reported in the literature in individuals affected with TTN-related conditions. Variants that disrupt the consensus splice site are a relatively common cause of aberrant splicing (PMID: 17576681, 9536098). Algorithms developed to predict the effect of sequence changes on RNA splicing suggest that this variant may disrupt the consensus splice site. This variant is located in the A band of TTN (PMID: 25589632). Variants in this region may be relevant for cardiac or neuromuscular disorders (PMID: 25589632, 23975875). In summary, the available evidence is currently insufficient to determine the role of this variant in disease. Therefore, it has been classified as a Variant of Uncertain Significance.

Literature cited by the submitters: PubMed 17576681; PubMed 9536098; PubMed 25589632; PubMed 23975875.